The following is an entry in ClinVar:

ClinVar aggregate classification (germline): Likely benign. Review status: criteria provided, single submitter (1 of 4 stars). 2 submissions from 2 submitters: Likely benign (1). 1 of the submissions does not count toward it. Last evaluated 2024-11-28.

Conditions:
SHOX-related disorder. Also called: SHOX-related condition.

Submissions (2):

Blueprint Genetics
Classification: Likely benign. Last evaluated: 2024-11-28. Review status: criteria provided, single submitter. Criteria: ACMG Guidelines, 2015. Collection method: clinical testing. Allele origin: germline.

PreventionGenetics, part of Exact Sciences
Classification: Benign for SHOX-related condition. Last evaluated: 2021-02-16. Review status: no assertion criteria provided. Collection method: clinical testing. Allele origin: germline. Not counted in ClinVar's aggregate classification.
Comment: This variant is classified as benign based on ACMG/AMP sequence variant interpretation guidelines (Richards et al. 2015 PMID: 25741868, with internal and published modifications).

NM_006883.2(SHOX):c.-636dup

Gene: SHOX (SHOX homeobox; plus strand). Cytogenetic location: Xp22.33.
Variant type: Duplication.
Coding change: c.-636dup on transcript NM_006883.2; 636 bases upstream of the start codon, one base duplicated (T; older notation c.-636dupT).
Molecular consequence: 5 prime UTR variant.
Genome position (GRCh38, 1-based): chrX:624,399, T duplicated; the last of 13 consecutive T bases (chrX:624,387-624,399); duplicating any one gives the same sequence. VCF-style (leftmost placement, unchanged base first): chrX-624386-C-CT. GRCh37 (hg19) VCF-style: chrX-585121-C-CT.
Other names: c.-636dupT (NM_000451.3).
Identifiers: ClinVar variation 3036689 (VCV003036689.3), dbSNP rs55872554, ClinGen allele CA325616486.